The following is an entry in ClinVar:

ClinVar aggregate classification (germline): Uncertain significance (1 of 4 stars; one submission).

Conditions:
Ellis-van Creveld syndrome (EVC). Also called: Chondroectodermal dysplasia; EVC-Related Ellis-van Creveld Syndrome; EVC2-Related Ellis-van Creveld Syndrome; MESOECTODERMAL DYSPLASIA. Identifiers: Orphanet 289, MedGen C0013903, MONDO:0009162, OMIM 225500.
Curry-Hall syndrome (WAD). Also called: WEYERS ACRODENTAL DYSOSTOSIS. Identifiers: Orphanet 952, MedGen C0457013, MONDO:0008673, OMIM 193530.

Allele frequency attached by ClinVar (database versions not stated): TOPMed below 0.00001.

Submission:

Labcorp Genetics (formerly Invitae), Labcorp
Classification: Uncertain significance for Curry-Hall syndrome; Ellis-van Creveld syndrome. Last evaluated: 2020-01-21. Review status: criteria provided, single submitter. Criteria: Invitae Variant Classification Sherloc (09022015). Collection method: clinical testing. Allele origin: germline.
Comment: This sequence change replaces glycine with glutamic acid at codon 219 of the EVC2 protein (p.Gly219Glu). The glycine residue is highly conserved and there is a moderate physicochemical difference between glycine and glutamic acid. In summary, the available evidence is currently insufficient to determine the role of this variant in disease. Therefore, it has been classified as a Variant of Uncertain Significance. Algorithms developed to predict the effect of missense changes on protein structure and function are either unavailable or do not agree on the potential impact of this missense change (SIFT: "Deleterious"; PolyPhen-2: "Probably Damaging"; Align-GVGD: "Class C0"). This variant has not been reported in the literature in individuals with EVC2-related conditions. This variant is not present in population databases (ExAC no frequency).

NM_147127.5(EVC2):c.656G>A (p.Gly219Glu)

Gene: EVC2 (EvC ciliary complex subunit 2; minus strand). Cytogenetic location: 4p16.2.
Variant type: single nucleotide variant.
Coding change: c.656G>A on transcript NM_147127.5 (MANE Select); coding-DNA position 656, G replaced by A.
Protein change: p.Gly219Glu; replaces glycine 219 with glutamic acid.
Molecular consequence: missense variant.
Genome position (GRCh38, 1-based): chr4:5,689,207, C>T on the plus strand (G>A on the coding strand, the complement: EVC2 is on the minus strand). VCF-style: chr4-5689207-C-T. GRCh37 (hg19) VCF-style: chr4-5690934-C-T.
Other names: c.416G>A, p.Gly139Glu (NM_001166136.2); short protein forms G139E, G219E.
Identifiers: ClinVar variation 1003596 (VCV001003596.10), dbSNP rs1720935592, ClinGen allele CA356148320.